The following is an entry in ClinVar:

ClinVar aggregate classification (germline): Uncertain significance. Review status: criteria provided, multiple submitters, no conflicts (2 of 4 stars). 2 submissions from 2 submitters: Uncertain significance (2). Last evaluated 2024-02-26.

Conditions:
Cystinuria (CSNU). Also called: CYSTINURIA, TYPE I; CYSTINURIA, TYPE II; CYSTINURIA, TYPE III; Cystinuria, non-type I. Identifiers: Orphanet 214, MedGen C0010691, MONDO:0009067, OMIM 220100, HP:0003131.

Allele frequency attached by ClinVar (database versions not stated): ExAC 0.00001.
gnomAD v4.1: 47 of 1,613,946 alleles (0.0029%); highest among the groups gnomAD compares: Admixed American, 0.038%; no homozygotes.

Submissions (2):

Fulgent Genetics
Classification: Uncertain significance for Cystinuria. Last evaluated: 2024-02-26. Review status: criteria provided, single submitter. Criteria: ACMG Guidelines, 2015. Collection method: clinical testing. Allele origin: germline.

Labcorp Genetics (formerly Invitae), Labcorp
Classification: Uncertain significance for Cystinuria. Last evaluated: 2022-04-09. Review status: criteria provided, single submitter. Criteria: Invitae Variant Classification Sherloc (09022015). Collection method: clinical testing. Allele origin: germline.
Comment: This sequence change replaces arginine, which is basic and polar, with glutamine, which is neutral and polar, at codon 301 of the SLC3A1 protein (p.Arg301Gln). This variant is present in population databases (rs372528227, gnomAD 0.03%). This variant has not been reported in the literature in individuals affected with SLC3A1-related conditions. Algorithms developed to predict the effect of missense changes on protein structure and function output the following: SIFT: "Tolerated"; PolyPhen-2: "Benign"; Align-GVGD: "Class C0". The glutamine amino acid residue is found in multiple mammalian species, which suggests that this missense change does not adversely affect protein function. In summary, the available evidence is currently insufficient to determine the role of this variant in disease. Therefore, it has been classified as a Variant of Uncertain Significance.

NM_000341.4(SLC3A1):c.902G>A (p.Arg301Gln)

Gene: SLC3A1 (solute carrier family 3 member 1; plus strand). Cytogenetic location: 2p21.
Variant type: single nucleotide variant.
Coding change: c.902G>A on transcript NM_000341.4 (MANE Select); coding-DNA position 902, G replaced by A.
Protein change: p.Arg301Gln; replaces arginine 301 with glutamine.
Molecular consequence: missense variant.
Genome position (GRCh38, 1-based): chr2:44,299,981, G>A. VCF-style: chr2-44299981-G-A. GRCh37 (hg19) VCF-style: chr2-44527120-G-A.
Other names: short protein forms R301Q.
Identifiers: ClinVar variation 2046327 (VCV002046327.2), dbSNP rs372528227, ClinGen allele CA1640329.
Genomic context (GRCh38, chr2:44,299,981, plus strand): 5'-TGATAATAACGTAGTTAATGTAACCAAGCATTTTGCTTCTTCATCTTTAGGAAATTTTAC[G>A]GTTCTGGCTCACAAAGGGTGTTGATGGTTTTAGTTTGGATGCTGTTAAATTCCTCCTAGA-3'
Protein context (NP_000332.2, residues 291-311): DVQEEIKEIL[Arg301Gln]FWLTKGVDGF